The following is an entry in ClinVar:

ClinVar aggregate classification (germline): Uncertain significance (1 of 4 stars; one submission).

Conditions:
Infantile-onset X-linked spinal muscular atrophy. Also called: AMC, DISTAL, X-LINKED; ARTHROGRYPOSIS, X-LINKED, TYPE I; Spinal muscular atrophy, X-linked 2; SPINAL MUSCULAR ATROPHY, X-LINKED LETHAL INFANTILE; Spinal Muscular Atrophy, X-Linked Infantile. Identifiers: Orphanet 1145, MedGen C1844934, MONDO:0010532, OMIM 301830.

Submission:

Labcorp Genetics (formerly Invitae), Labcorp
Classification: Uncertain significance for Infantile-onset X-linked spinal muscular atrophy. Last evaluated: 2025-04-14. Review status: criteria provided, single submitter. Criteria: Invitae Variant Classification Sherloc (09022015). Collection method: clinical testing. Allele origin: germline.
Comment: This sequence change replaces serine, which is neutral and polar, with phenylalanine, which is neutral and non-polar, at codon 803 of the UBA1 protein (p.Ser803Phe). This variant is not present in population databases (gnomAD no frequency). This variant has not been reported in the literature in individuals affected with UBA1-related conditions. ClinVar contains an entry for this variant (Variation ID: 1955995). An algorithm developed to predict the effect of missense changes on protein structure and function (PolyPhen-2) suggests that this variant is likely to be disruptive. In summary, the available evidence is currently insufficient to determine the role of this variant in disease. Therefore, it has been classified as a Variant of Uncertain Significance.

NM_003334.4(UBA1):c.2408C>T (p.Ser803Phe)

Gene: UBA1 (ubiquitin like modifier activating enzyme 1; plus strand). Cytogenetic location: Xp11.3.
Variant type: single nucleotide variant.
Coding change: c.2408C>T on transcript NM_003334.4 (MANE Select); coding-DNA position 2408, C replaced by T.
Protein change: p.Ser803Phe; replaces serine 803 with phenylalanine.
Molecular consequence: missense variant.
Genome position (GRCh38, 1-based): chrX:47,211,169, C>T. VCF-style: chrX-47211169-C-T. GRCh37 (hg19) VCF-style: chrX-47070568-C-T.
Other names: c.2408C>T, p.Ser803Phe (NM_153280.3); short protein forms S803F.
Identifiers: ClinVar variation 1955995 (VCV001955995.5), dbSNP rs2521622966, ClinGen allele CA412808900.
Genomic context (GRCh38, chrX:47,211,169, plus strand): 5'-ACCGAGCTGCTGTGGCCACATTCCTGCAGTCTGTGCAGGTCCCCGAATTCACCCCCAAGT[C>T]TGGCGTCAAGATCCATGTTTCTGACCAGGAGCTGCAGAGCGCCAATGCCTCTGTTGGTGA-3'
Protein context (NP_003325.2, residues 793-813): SVQVPEFTPK[Ser803Phe]GVKIHVSDQE